The following is an entry in ClinVar:

ClinVar aggregate classification (germline): Pathogenic/Likely pathogenic. Review status: criteria provided, multiple submitters, no conflicts (2 of 4 stars). 2 submissions from 2 submitters: Pathogenic (1); Likely pathogenic (1). Last evaluated 2025-09-08.

Conditions:
Alstrom syndrome (ALMS). Identifiers: Orphanet 64, MedGen C0268425, MONDO:0008763, OMIM 203800.

Submissions (2):

Labcorp Genetics (formerly Invitae), Labcorp
Classification: Pathogenic for Alstrom syndrome. Last evaluated: 2025-09-08. Review status: criteria provided, single submitter. Criteria: Invitae Variant Classification Sherloc (09022015). Collection method: clinical testing. Allele origin: germline.
Comment: This sequence change creates a premature translational stop signal (p.Val2750Glyfs*3) in the ALMS1 gene. It is expected to result in an absent or disrupted protein product. Loss-of-function variants in ALMS1 are known to be pathogenic (PMID: 17594715). This variant is present in population databases (rs748621056, gnomAD 0.003%). This variant has not been reported in the literature in individuals affected with ALMS1-related conditions. ClinVar contains an entry for this variant (Variation ID: 1455375). For these reasons, this variant has been classified as Pathogenic.

Natera, Inc.
Classification: Likely pathogenic for Alstrom syndrome. Last evaluated: 2024-12-10. Review status: criteria provided, single submitter. Criteria: Natera Variant Classification Schema (03/2026). Collection method: clinical testing. Allele origin: germline.
Comment: The c.8248dup variant in ALMS1 is a frameshift variant predicted to shift the reading frame beginning at codon 2750 and leads to a stop codon 3 codons downstream. This variant is expected to result in nonsense mediated decay, truncation, or a dysfunctional protein product. This variant is rare in the general population with a frequency below the threshold expected for the associated phenotype(s). Given the available evidence, this variant is classified as Likely Pathogenic.

Literature cited by the submitters: PubMed 17594715 (cited by Labcorp Genetics (formerly Invitae), Labcorp).

NM_001378454.1(ALMS1):c.8245dup (p.Val2749fs)

Gene: ALMS1 (ALMS1 centrosome and basal body associated protein; plus strand). Cytogenetic location: 2p13.1.
Variant type: Duplication.
Coding change: c.8245dup on transcript NM_001378454.1 (MANE Select); coding-DNA position 8245, one base duplicated (G; older notation c.8245dupG).
Protein change: p.Val2749fs; shifts the reading frame from valine 2749.
Molecular consequence: frameshift variant.
Genome position (GRCh38, 1-based): chr2:73,490,204, G duplicated; the last of 5 consecutive G bases (chr2:73,490,200-73,490,204); duplicating any one gives the same sequence. VCF-style (leftmost placement, unchanged base first): chr2-73490199-T-TG. GRCh37 (hg19) VCF-style: chr2-73717326-T-TG.
Other names: c.8248dup, p.Val2750fs (NM_015120.4); short protein forms V2749fs, V2750fs.
Identifiers: ClinVar variation 1455375 (VCV001455375.7), dbSNP rs748621056, ClinGen allele CA1714431.